The following is an entry in ClinVar:

ClinVar aggregate classification (germline): Uncertain significance. Review status: criteria provided, multiple submitters, no conflicts (2 of 4 stars). 3 submissions from 3 submitters: Uncertain significance (3). Last evaluated 2025-02-28.

Conditions:
Inborn genetic diseases. Identifiers: MedGen C0950123, MeSH D030342.
TH-deficient dopa-responsive dystonia. Also called: DYT-TH; Tyrosine Hydroxylase-Deficient Dopa-Responsive Dystonia; Segawa syndrome, autosomal recessive. Identifiers: Orphanet 101150, MedGen C2673535, MONDO:0011551, OMIM 605407.

Allele frequency attached by ClinVar (database versions not stated): TOPMed 0.00001.
gnomAD v4.1: 5 of 1,612,152 alleles (0.00031%); highest among the groups gnomAD compares: Admixed American, 0.0083%; no homozygotes.

Submissions (3):

Ambry Genetics
Classification: Uncertain significance for Inborn genetic diseases. Last evaluated: 2025-02-28. Review status: criteria provided, single submitter. Criteria: Ambry Variant Classification Scheme 2023. Collection method: clinical testing. Allele origin: germline.

Labcorp Genetics (formerly Invitae), Labcorp
Classification: Uncertain significance for TH-deficient dopa-responsive dystonia. Last evaluated: 2021-08-31. Review status: criteria provided, single submitter. Criteria: Invitae Variant Classification Sherloc (09022015). Collection method: clinical testing. Allele origin: germline.
Comment: This sequence change replaces proline with leucine at codon 98 of the TH protein (p.Pro98Leu). The proline residue is moderately conserved and there is a moderate physicochemical difference between proline and leucine. This variant is not present in population databases (ExAC no frequency). This variant has not been reported in the literature in individuals affected with TH-related conditions. Algorithms developed to predict the effect of missense changes on protein structure and function output the following: SIFT: "Tolerated"; PolyPhen-2: "Benign"; Align-GVGD: "Class C0". The leucine amino acid residue is found in multiple mammalian species, which suggests that this missense change does not adversely affect protein function. In summary, the available evidence is currently insufficient to determine the role of this variant in disease. Therefore, it has been classified as a Variant of Uncertain Significance.

Baylor Genetics
Classification: Uncertain significance for TH-deficient dopa-responsive dystonia. Last evaluated: 2018-11-05. Review status: criteria provided, single submitter. Criteria: ACMG Guidelines, 2015. Collection method: clinical testing. Allele origin: unknown. Affected: yes.
Comment: This variant was determined to be of uncertain significance according to ACMG Guidelines, 2015 [PMID:25741868].

NM_000360.4(TH):c.200C>T (p.Pro67Leu)

Gene: TH (tyrosine hydroxylase; minus strand). Cytogenetic location: 11p15.5.
Variant type: single nucleotide variant.
Coding change: c.200C>T on transcript NM_000360.4 (MANE Select); coding-DNA position 200, C replaced by T.
Protein change: p.Pro67Leu; replaces proline 67 with leucine.
Molecular consequence: missense variant.
Genome position (GRCh38, 1-based): chr11:2,169,762, G>A on the plus strand (C>T on the coding strand, the complement: TH is on the minus strand). VCF-style: chr11-2169762-G-A. GRCh37 (hg19) VCF-style: chr11-2190992-G-A.
Other names: c.293C>T, p.Pro98Leu (NM_199292.3); c.281C>T, p.Pro94Leu (NM_199293.3); short protein forms P67L, P94L, P98L.
Identifiers: ClinVar variation 1031811 (VCV001031811.4), dbSNP rs752445432, ClinGen allele CA379112337.
Genomic context (GRCh38, chr11:2,169,762, plus strand): 5'-GAGAAGAGCAGGTTTAGCACGGCCTTCCCCTCCTTCTCCTCAAAGGCCACAGCCTCCAGG[G>A]GGTCCCCGGGCTCCGAGGGGACTGCAGCGGCCGCTGCTGCCACCGCCGCCTCCCGCTCCT-3'
Protein context (NP_000351.2, residues 57-77): AAAVPSEPGD[Pro67Leu]LEAVAFEEKE